The following is an entry in ClinVar:

ClinVar aggregate classification (germline): Pathogenic (1 of 4 stars; one submission).

Conditions:
Autoimmune lymphoproliferative syndrome type 1. Also called: AUTOIMMUNE LYMPHOPROLIFERATIVE SYNDROME, TYPE I, AUTOSOMAL DOMINANT. Identifiers: Orphanet 3261, MedGen C2717884, MONDO:0011158, OMIM 601859.

Submission:

Labcorp Genetics (formerly Invitae), Labcorp
Classification: Pathogenic for Autoimmune lymphoproliferative syndrome. Last evaluated: 2020-07-07. Review status: criteria provided, single submitter. Criteria: Invitae Variant Classification Sherloc (09022015). Collection method: clinical testing. Allele origin: germline.
Comment: For these reasons, this variant has been classified as Pathogenic. This variant disrupts the C-terminus of the FAS protein. Other variant(s) that disrupt this region (p.Leu294*) have been determined to be pathogenic (PMID: 10090885, 23407489, 2149015). This suggests that variants that disrupt this region of the protein are likely to be causative of disease. This variant has not been reported in the literature in individuals with FAS-related conditions. This variant is not present in population databases (ExAC no frequency). This sequence change results in a premature translational stop signal in the FAS gene (p.Leu215*). While this is not anticipated to result in nonsense mediated decay, it is expected to disrupt the last 121 amino acids of the FAS protein.

Literature cited by the submitters: PubMed 10090885; PubMed 23407489; PubMed 2149015.

NM_000043.6(FAS):c.644T>A (p.Leu215Ter)

Gene: FAS (Fas cell surface death receptor; plus strand). Cytogenetic location: 10q23.31.
Variant type: single nucleotide variant.
Coding change: c.644T>A on transcript NM_000043.6 (MANE Select); coding-DNA position 644, T replaced by A.
Protein change: p.Leu215Ter; replaces leucine 215 with a stop codon.
Molecular consequence: nonsense. On other transcripts: non-coding transcript variant (6), intron variant (1).
Genome position (GRCh38, 1-based): chr10:89,012,074, T>A. VCF-style: chr10-89012074-T-A. GRCh37 (hg19) VCF-style: chr10-90771831-T-A.
Other names: c.581T>A, p.Leu194Ter (NM_152871.4); c.644T>A, p.Leu215Ter (NM_152872.4); c.568+1259T>A (NM_001320619.2); short protein forms L194*, L215*.
Identifiers: ClinVar variation 1071139 (VCV001071139.9), dbSNP rs2133539468, ClinGen allele CA377509376.
Genomic context (GRCh38, chr10:89,012,074, plus strand): 5'-TACAGAAAACATGCAGAAAGCACAGAAAGGAAAACCAAGGTTCTCATGAATCTCCAACTT[T>A]AAATCCTGTAGGTATTGAAATAGGTATCAGCTTTCCTTGAAAAGAAAAATAGAGAAATTA-3'